The following is an entry in ClinVar:

NM_000391.4(TPP1):c.1123C>T (p.Arg375Cys)

Gene: TPP1 (tripeptidyl peptidase 1; minus strand). Cytogenetic location: 11p15.4.
Variant type: single nucleotide variant.
Coding change: c.1123C>T on transcript NM_000391.4 (MANE Select); coding-DNA position 1123, C replaced by T.
Protein change: p.Arg375Cys; replaces arginine 375 with cysteine.
Molecular consequence: missense variant.
Genome position (GRCh38, 1-based): chr11:6,616,027, G>A on the plus strand (C>T on the coding strand, the complement: TPP1 is on the minus strand). VCF-style: chr11-6616027-G-A. GRCh37 (hg19) VCF-style: chr11-6637258-G-A.
Other names: short protein forms R375C.
Identifiers: ClinVar variation 576905 (VCV000576905.8), dbSNP rs368914445, ClinGen allele CA5858750.
Genomic context (GRCh38, chr11:6,616,027, plus strand): 5'-GTGGTGGTTATACCTGAGTGGTAGGCTAGAGTACTTACCTGGAGGCAGGGAAGGTAGGGC[G>A]GAACTGGTGTCTTCCAGAGACAGACCAACACCCGGCCCCACTGTCACCTGAGAGAGACCA-3'
Protein context (NP_000382.3, residues 365-385): CWSVSGRHQF[Arg375Cys]PTFPASSPYV

ClinVar aggregate classification (germline): Uncertain significance. Review status: criteria provided, single submitter (1 of 4 stars). 2 submissions from 2 submitters: Uncertain significance (1). 1 of the submissions does not count toward it. Last evaluated 2024-12-02.

Conditions:
Neuronal ceroid lipofuscinosis 2. Also called: TPP1-Related Neuronal Ceroid-Lipofuscinosis; JANSKY-BIELSCHOWSKY DISEASE NEURONAL CEROID LIPOFUSCINOSIS, LATE INFANTILE. Identifiers: Orphanet 168491, Orphanet 228349, Orphanet 79264, MedGen C1876161, MONDO:0008769, OMIM 204500.

Allele frequency attached by ClinVar (database versions not stated): gnomAD 0.00001; gnomAD exomes 0.00001 and 0.00005; TOPMed 0.00002; ExAC 0.00007; ESP Exome Variant Server 0.00008.
gnomAD v4.1: 23 of 1,614,050 alleles (0.0014%); highest among the groups gnomAD compares: Admixed American, 0.005%; no homozygotes.

Submissions (2):

Labcorp Genetics (formerly Invitae), Labcorp
Classification: Uncertain significance. Last evaluated: 2024-12-02. Review status: criteria provided, single submitter. Criteria: Invitae Variant Classification Sherloc (09022015). Collection method: clinical testing. Allele origin: germline.
Comment: This sequence change replaces arginine, which is basic and polar, with cysteine, which is neutral and slightly polar, at codon 375 of the TPP1 protein (p.Arg375Cys). This variant is present in population databases (rs368914445, gnomAD 0.009%). This variant has not been reported in the literature in individuals affected with TPP1-related conditions. ClinVar contains an entry for this variant (Variation ID: 576905). Invitae Evidence Modeling of protein sequence and biophysical properties (such as structural, functional, and spatial information, amino acid conservation, physicochemical variation, residue mobility, and thermodynamic stability) indicates that this missense variant is expected to disrupt TPP1 protein function with a positive predictive value of 95%. In summary, the available evidence is currently insufficient to determine the role of this variant in disease. Therefore, it has been classified as a Variant of Uncertain Significance.

Natera, Inc.
Classification: Uncertain significance for Neuronal ceroid lipofuscinosis 2. Last evaluated: 2021-02-19. Review status: no assertion criteria provided. Collection method: clinical testing. Allele origin: germline. Not counted in ClinVar's aggregate classification.